The following is an entry in ClinVar:

ClinVar aggregate classification (germline): Uncertain significance (1 of 4 stars; one submission).

Allele frequency attached by ClinVar (database versions not stated): gnomAD exomes 0.00001; gnomAD 0.00003.
gnomAD v4.1: 25 of 1,585,216 alleles (0.0016%); highest among the groups gnomAD compares: Admixed American, 0.0083%; no homozygotes.

Submission:

Labcorp Genetics (formerly Invitae), Labcorp
Classification: Uncertain significance. Last evaluated: 2022-09-27. Review status: criteria provided, single submitter. Criteria: Invitae Variant Classification Sherloc (09022015). Collection method: clinical testing. Allele origin: germline.
Comment: In summary, the available evidence is currently insufficient to determine the role of this variant in disease. Therefore, it has been classified as a Variant of Uncertain Significance. Algorithms developed to predict the effect of sequence changes on RNA splicing suggest that this variant may disrupt the consensus splice site. Algorithms developed to predict the effect of missense changes on protein structure and function are either unavailable or do not agree on the potential impact of this missense change (SIFT: "Deleterious"; PolyPhen-2: "Benign"; Align-GVGD: "Class C15"). This variant has not been reported in the literature in individuals affected with SLC10A2-related conditions. This variant is present in population databases (rs200551073, gnomAD 0.003%). This sequence change replaces glycine, which is neutral and non-polar, with valine, which is neutral and non-polar, at codon 166 of the SLC10A2 protein (p.Gly166Val).

NM_000452.3(SLC10A2):c.497G>T (p.Gly166Val)

Gene: SLC10A2 (solute carrier family 10 member 2; minus strand). Cytogenetic location: 13q33.1.
Variant type: single nucleotide variant.
Coding change: c.497G>T on transcript NM_000452.3 (MANE Select); coding-DNA position 497, G replaced by T.
Protein change: p.Gly166Val; replaces glycine 166 with valine.
Molecular consequence: missense variant.
Genome position (GRCh38, 1-based): chr13:103,052,708, C>A on the plus strand (G>T on the coding strand, the complement: SLC10A2 is on the minus strand). VCF-style: chr13-103052708-C-A. GRCh37 (hg19) VCF-style: chr13-103705058-C-A.
Other names: short protein forms G166V.
Identifiers: ClinVar variation 1977070 (VCV001977070.5), dbSNP rs200551073, ClinGen allele CA255205688.